The following is an entry in ClinVar:

ClinVar aggregate classification (germline): Uncertain significance (1 of 4 stars; one submission).

gnomAD v4.1: 6 of 1,614,232 alleles (0.00037%); highest among the groups gnomAD compares: Non-Finnish European, 0.00051%; no homozygotes.

Submission:

Labcorp Genetics (formerly Invitae), Labcorp
Classification: Uncertain significance. Last evaluated: 2026-01-06. Review status: criteria provided, single submitter. Criteria: Invitae Variant Classification Sherloc (09022015). Collection method: clinical testing. Allele origin: germline.
Comment: This sequence change replaces histidine, which is basic and polar, with glutamine, which is neutral and polar, at codon 745 of the DUOX2 protein (p.His745Gln). This variant is not present in population databases (gnomAD no frequency). This variant has not been reported in the literature in individuals affected with DUOX2-related conditions. Invitae Evidence Modeling of protein sequence and biophysical properties (such as structural, functional, and spatial information, amino acid conservation, physicochemical variation, residue mobility, and thermodynamic stability) indicates that this missense variant is not expected to disrupt DUOX2 protein function with a negative predictive value of 80%. In summary, the available evidence is currently insufficient to determine the role of this variant in disease. Therefore, it has been classified as a Variant of Uncertain Significance.

NM_001363711.2(DUOX2):c.2235T>G (p.His745Gln)

Gene: DUOX2 (dual oxidase 2; minus strand). Cytogenetic location: 15q21.1.
Variant type: single nucleotide variant.
Coding change: c.2235T>G on transcript NM_001363711.2 (MANE Select); coding-DNA position 2235, T replaced by G.
Protein change: p.His745Gln; replaces histidine 745 with glutamine.
Molecular consequence: missense variant.
Genome position (GRCh38, 1-based): chr15:45,105,742, A>C on the plus strand (T>G on the coding strand, the complement: DUOX2 is on the minus strand). VCF-style: chr15-45105742-A-C. GRCh37 (hg19) VCF-style: chr15-45397940-A-C.
Other names: c.2235T>G, p.His745Gln (NM_014080.5); short protein forms H745Q.
Identifiers: ClinVar variation 4768604 (VCV004768604.1).
Genomic context (GRCh38, chr15:45,105,742, plus strand): 5'-TTCCCGCTGCTGCTTTGTCACAGCCTTCCTAAATAGCTCCTTCTCGCTCATCTCAGCCAC[A>C]TGGAGGCCCAGAGCCCAGCGCACGCAGAAGTCCCATAGCTGCTGCACAAAGGCGCCCCGT-3'
Protein context (NP_001350640.1, residues 735-755): DFCVRWALGL[His745Gln]VAEMSEKELF